The following is an entry in ClinVar:

NM_016138.5(COQ7):c.55G>A (p.Ala19Thr)

Genes: COQ7 (coenzyme Q7, hydroxylase; plus strand), LOC130058587 (ATAC-STARR-seq lymphoblastoid silent region 7240; plus strand). Cytogenetic location: 16p12.3.
Variant type: single nucleotide variant.
Coding change: c.55G>A on transcript NM_016138.5 (MANE Select); coding-DNA position 55, G replaced by A.
Protein change: p.Ala19Thr; replaces alanine 19 with threonine.
Molecular consequence: missense variant. On other transcripts: non-coding transcript variant (2).
Genome position (GRCh38, 1-based): chr16:19,067,719, G>A. VCF-style: chr16-19067719-G-A. GRCh37 (hg19) VCF-style: chr16-19079041-G-A.
Other names: c.55G>A, p.Ala19Thr (NM_001370490.1); c.55G>A (NM_016138.4); short protein forms A19T.
Identifiers: ClinVar variation 1922661 (VCV001922661.3), dbSNP rs771061330, ClinGen allele CA278713717.

ClinVar aggregate classification (germline): Uncertain significance. Review status: criteria provided, multiple submitters, no conflicts (2 of 4 stars). 2 submissions from 2 submitters: Uncertain significance (2). Last evaluated 2025-12-11.

gnomAD v4.1: 13 of 1,605,682 alleles (0.00081%); highest among the groups gnomAD compares: Admixed American, 0.0069%; no homozygotes.

Submissions (2):

Ambry Genetics
Classification: Uncertain significance. Last evaluated: 2025-12-11. Review status: criteria provided, single submitter. Criteria: Ambry Variant Classification Scheme 2023. Collection method: clinical testing. Allele origin: germline.

Labcorp Genetics (formerly Invitae), Labcorp
Classification: Uncertain significance. Last evaluated: 2022-08-22. Review status: criteria provided, single submitter. Criteria: Invitae Variant Classification Sherloc (09022015). Collection method: clinical testing. Allele origin: germline.
Comment: This sequence change replaces alanine, which is neutral and non-polar, with threonine, which is neutral and polar, at codon 19 of the COQ7 protein (p.Ala19Thr). This variant is present in population databases (no rsID available, gnomAD 0.009%). This variant has not been reported in the literature in individuals affected with COQ7-related conditions. Algorithms developed to predict the effect of missense changes on protein structure and function output the following: SIFT: "Tolerated"; PolyPhen-2: "Benign"; Align-GVGD: "Class C0". The threonine amino acid residue is found in multiple mammalian species, which suggests that this missense change does not adversely affect protein function. In summary, the available evidence is currently insufficient to determine the role of this variant in disease. Therefore, it has been classified as a Variant of Uncertain Significance.